The following is an entry in ClinVar:

NM_000642.3(AGL):c.613A>T (p.Lys205Ter)

Gene: AGL (amylo-alpha-1,6-glucosidase and 4-alpha-glucanotransferase; plus strand). Cytogenetic location: 1p21.2.
Variant type: single nucleotide variant.
Coding change: c.613A>T on transcript NM_000642.3 (MANE Select); coding-DNA position 613, A replaced by T.
Protein change: p.Lys205Ter; replaces lysine 205 with a stop codon.
Molecular consequence: nonsense.
Genome position (GRCh38, 1-based): chr1:99,864,538, A>T. VCF-style: chr1-99864538-A-T. GRCh37 (hg19) VCF-style: chr1-100330094-A-T.
Other names: c.613A>T, p.Lys205Ter (NM_000028.3, NM_000643.3, NM_000644.3 and 3 more transcripts); c.565A>T, p.Lys189Ter (NM_000646.3); c.235A>T, p.Lys79Ter (NM_001425332.1); short protein forms K205*, K189*, K79*.
Identifiers: ClinVar variation 1365212 (VCV001365212.9), dbSNP rs562042076, ClinGen allele CA341336154.
Genomic context (GRCh38, chr1:99,864,538, plus strand): 5'-TTTTCAAGACCTAATAGAAAGTATACCTGGAATGATGTTGGACAGCTAGTGGAAAAATTA[A>T]AAAAGGAATGGAATGTTATTTGTATTACTGATGTTGTCTACAATCATACTGGTATGAGCT-3'

ClinVar aggregate classification (germline): Pathogenic. Review status: criteria provided, multiple submitters, no conflicts (2 of 4 stars). 3 submissions from 3 submitters: Pathogenic (3). Last evaluated 2024-09-19.

Conditions:
Glycogen storage disease type III (GSD3). Also called: Cori disease; FORBES DISEASE. Identifiers: Orphanet 366, MedGen C0017922, MONDO:0009291, OMIM 232400.

Submissions (3):

Labcorp Genetics (formerly Invitae), Labcorp
Classification: Pathogenic for Glycogen storage disease type III. Last evaluated: 2024-09-19. Review status: criteria provided, single submitter. Criteria: Invitae Variant Classification Sherloc (09022015). Collection method: clinical testing. Allele origin: germline.
Comment: This sequence change creates a premature translational stop signal (p.Lys205*) in the AGL gene. It is expected to result in an absent or disrupted protein product. Loss-of-function variants in AGL are known to be pathogenic (PMID: 19299494). This variant is not present in population databases (gnomAD no frequency). This premature translational stop signal has been observed in individual(s) with glycogen storage disease IIIa (PMID: 27460348). ClinVar contains an entry for this variant (Variation ID: 1365212). Algorithms developed to predict the effect of sequence changes on RNA splicing suggest that this variant may disrupt the consensus splice site. For these reasons, this variant has been classified as Pathogenic.

Genome-Nilou Lab
Classification: Pathogenic for Glycogen storage disease type III. Last evaluated: 2023-04-11. Review status: criteria provided, single submitter. Criteria: ACMG Guidelines, 2015. Collection method: clinical testing. Allele origin: germline. Affected: no.

Women's Health and Genetics/Laboratory Corporation of America, LabCorp
Classification: Pathogenic for Glycogen storage disease type III. Last evaluated: 2023-01-24. Review status: criteria provided, single submitter. Criteria: LabCorp Variant Classification Summary - May 2015. Collection method: clinical testing. Allele origin: germline.
Comment: Variant summary: AGL c.613A>T (p.Lys205X) results in a premature termination codon, predicted to cause a truncation of the encoded protein or absence of the protein due to nonsense mediated decay, which are commonly known mechanisms for disease. Truncations downstream of this position have been classified as pathogenic by our laboratory. The variant was absent in 251308 control chromosomes. c.613A>T has been reported in the literature in at least one individual affected with Glycogen Storage Disease Type III (Decostre_2016). A ClinVar submitter (evaluation after 2014) cites the variant as pathogenic. Based on the evidence outlined above, the variant was classified as pathogenic.

Literature cited by the submitters: PubMed 19299494 (cited by Labcorp Genetics (formerly Invitae), Labcorp); PubMed 27460348 (cited by Labcorp Genetics (formerly Invitae), Labcorp and Women's Health and Genetics/Laboratory Corporation of America, LabCorp).